The following is an entry in ClinVar:

NM_032043.3(BRIP1):c.1414G>T (p.Glu472Ter)

Gene: BRIP1 (BRCA1 interacting DNA helicase 1; minus strand). Cytogenetic location: 17q23.2.
Variant type: single nucleotide variant.
Coding change: c.1414G>T on transcript NM_032043.3 (MANE Select); coding-DNA position 1414, G replaced by T.
Protein change: p.Glu472Ter; replaces glutamic acid 472 with a stop codon.
Molecular consequence: nonsense.
Genome position (GRCh38, 1-based): chr17:61,793,656, C>A on the plus strand (G>T on the coding strand, the complement: BRIP1 is on the minus strand). VCF-style: chr17-61793656-C-A. GRCh37 (hg19) VCF-style: chr17-59871017-C-A.
Other names: short protein forms E472*.
Identifiers: ClinVar variation 479409 (VCV000479409.21), dbSNP rs1555605902, ClinGen allele CA400482158.

ClinVar aggregate classification (germline): Pathogenic. Review status: criteria provided, multiple submitters, no conflicts (2 of 4 stars). 4 submissions from 4 submitters: Pathogenic (4). Last evaluated 2025-08-11.

Conditions:
Hereditary cancer-predisposing syndrome. Also called: Tumor predisposition; Neoplastic Syndromes, Hereditary; Hereditary Cancer Syndrome; Hereditary neoplastic syndrome. Identifiers: Orphanet 140162, MedGen C0027672, MeSH D009386, MONDO:0015356.
Fanconi anemia complementation group J. Also called: BRIP1-Related Fanconi Anemia. Identifiers: Orphanet 84, MedGen C1836860, MONDO:0012187, OMIM 609054.
Familial cancer of breast. Also called: BREAST CANCER, FAMILIAL; Hereditary breast cancer; hereditary breast carcinoma. Identifiers: Orphanet 227535, MedGen C0346153, MONDO:0016419, OMIM 114480. Disease mechanism: loss of function.

Submissions (4):

Labcorp Genetics (formerly Invitae), Labcorp
Classification: Pathogenic for Familial cancer of breast; Fanconi anemia complementation group J. Last evaluated: 2025-08-11. Review status: criteria provided, single submitter. Criteria: Invitae Variant Classification Sherloc (09022015). Collection method: clinical testing. Allele origin: germline.
Comment: This sequence change creates a premature translational stop signal (p.Glu472*) in the BRIP1 gene. It is expected to result in an absent or disrupted protein product. Loss-of-function variants in BRIP1 are known to be pathogenic (PMID: 16116423, 17033622, 21964575). This variant is not present in population databases (gnomAD no frequency). This variant has not been reported in the literature in individuals affected with BRIP1-related conditions. ClinVar contains an entry for this variant (Variation ID: 479409). For these reasons, this variant has been classified as Pathogenic.

Ambry Genetics
Classification: Pathogenic for Hereditary cancer-predisposing syndrome. Last evaluated: 2025-06-04. Review status: criteria provided, single submitter. Criteria: Ambry Variant Classification Scheme 2023. Collection method: clinical testing. Allele origin: germline.
Comment: The p.E472* pathogenic mutation (also known as c.1414G>T), located in coding exon 9 of the BRIP1 gene, results from a G to T substitution at nucleotide position 1414. This changes the amino acid from a glutamic acid to a stop codon within coding exon 9. This variant is considered to be rare based on population cohorts in the Genome Aggregation Database (gnomAD). This alteration is expected to result in loss of function by premature protein truncation or nonsense-mediated mRNA decay. As such, this alteration is interpreted as a disease-causing mutation.

Myriad Genetics, Inc.
Classification: Pathogenic for Familial cancer of breast. Last evaluated: 2023-06-02. Review status: criteria provided, single submitter. Criteria: Myriad Autosomal Dominant, Autosomal Recessive and X-Linked Classification Criteria (2023). Collection method: clinical testing. Allele origin: unknown.
Comment: This variant is considered pathogenic. This variant creates a termination codon and is predicted to result in premature protein truncation.

Color Diagnostics, LLC DBA Color Health
Classification: Pathogenic for Hereditary cancer-predisposing syndrome. Last evaluated: 2021-12-14. Review status: criteria provided, single submitter. Criteria: ACMG Guidelines, 2015. Collection method: clinical testing. Allele origin: germline.
Comment: This variant changes 1 nucleotide in exon 10 of the BRIP1 gene, creating a premature translation stop signal. This variant is expected to result in an absent or non-functional protein product. To our knowledge, this variant has not been reported in individuals affected with hereditary cancer in the literature. This variant has not been identified in the general population by the Genome Aggregation Database (gnomAD). Loss of BRIP1 function is a known mechanism of disease. Based on the available evidence, this variant is classified as Pathogenic.

Literature cited by the submitters: PubMed 16116423 (cited by Labcorp Genetics (formerly Invitae), Labcorp); PubMed 17033622 (cited by Labcorp Genetics (formerly Invitae), Labcorp); PubMed 21964575 (cited by Labcorp Genetics (formerly Invitae), Labcorp).